The following is an entry in ClinVar:

ClinVar aggregate classification (germline): Benign (1 of 4 stars; one submission).

Conditions:
Retinitis pigmentosa (RP). Identifiers: Orphanet 791, MedGen C0035334, MeSH D012174, MONDO:0019200, OMIM 268000. Inheritance: Autosomal dominant, autosomal recessive and X linked inheritance.

Allele frequency attached by ClinVar (database versions not stated): 1000 Genomes Project 30x 0.35884; 1000 Genomes Project 0.36502; TOPMed 0.38289; gnomAD 0.39247 and 0.39695; gnomAD exomes 0.41912.
gnomAD v4.1: 60,033 of 150,598 alleles (40%); highest among the groups gnomAD compares: Non-Finnish European, 50%; 13,497 homozygotes.

Submission:

Illumina Laboratory Services, Illumina
Classification: Benign for Retinitis pigmentosa. Last evaluated: 2018-01-13. Review status: criteria provided, single submitter. Criteria: ICSL Variant Classification Criteria 13 December 2019. Collection method: clinical testing. Allele origin: germline.
Comment: This variant was observed in the ICSL laboratory as part of a predisposition screen in an ostensibly healthy population. It had not been previously curated by ICSL or reported in the Human Gene Mutation Database (HGMD: prior to June 1st, 2018), and was therefore a candidate for classification through an automated scoring system. Utilizing variant allele frequency, disease prevalence and penetrance estimates, and inheritance mode, an automated score was calculated to assess if this variant is too frequent to cause the disease. Based on the score and internal cut-off values, a variant classified as benign is not then subjected to further curation. The score for this variant resulted in a classification of benign for this disease.

NM_001297.5(CNGB1):c.*919G>A

Gene: CNGB1 (cyclic nucleotide gated channel subunit beta 1; minus strand). Cytogenetic location: 16q21.
Variant type: single nucleotide variant.
Coding change: c.*919G>A on transcript NM_001297.5 (MANE Select); 919 bases downstream of the stop codon, G replaced by A.
Molecular consequence: 3 prime UTR variant.
Genome position (GRCh38, 1-based): chr16:57,883,245, C>T on the plus strand (G>A on the coding strand, the complement: CNGB1 is on the minus strand). VCF-style: chr16-57883245-C-T. GRCh37 (hg19) VCF-style: chr16-57917149-C-T.
Other names: c.*919G>A (NM_001286130.2).
Identifiers: ClinVar variation 320033 (VCV000320033.5), dbSNP rs1477405, ClinGen allele CA10638130.